The following is an entry in ClinVar:

ClinVar aggregate classification (germline): Pathogenic (1 of 4 stars; one submission).

Conditions:
Glycogen storage disease, type II (IOPD). Also called: Pompe Disease; CARDIOMEGALIA GLYCOGENICA DIFFUSA; GLYCOGENOSIS, GENERALIZED, CARDIAC FORM; GSD II; POMPE DISEASE, INFANTILE-ONSET; GLYCOGEN STORAGE DISEASE II, INFANTILE-ONSET. Identifiers: Orphanet 365, MedGen C0017921, MONDO:0009290, OMIM 232300.

Submission:

Genomenon, Inc
Classification: Pathogenic for Glycogen storage disease, type II. Last evaluated: 2026-07-01. Review status: criteria provided, single submitter. Criteria: Genomenon Sequence Variant Interpretation Standards - Updated. Collection method: curation. Allele origin: germline.
Comment: GAA p.Leu18ProfsTer26 (c.49_50dup) is a frameshift variant that is predicted to introduce a premature termination codon and result in a truncated or absent protein product. This variant has been reported in the compound heterozygous and/or homozygous state in at least one individual without a confirmed diagnosis of Pompe disease (PMID:32222271). Functional studies have been reported (PMID:32222271). It is absent or not present at a significant frequency in gnomAD. In conclusion, we classify GAA p.Leu18ProfsTer26 (c.49_50dup) as a pathogenic variant.

Literature cited by the submitters: PubMed 32222271.

NM_000152.5(GAA):c.49_50dup (p.Leu18fs)

Gene: GAA (alpha glucosidase; plus strand). Cytogenetic location: 17q25.3.
Variant type: Microsatellite.
Coding change: c.49_50dup on transcript NM_000152.5 (MANE Select); coding-DNA positions 49 to 50, 2 bases duplicated (GC; older notation c.49_50dupGC).
Protein change: p.Leu18fs; shifts the reading frame from leucine 18.
Molecular consequence: frameshift variant.
Genome position (GRCh38, 1-based): chr17:80,104,635-80,104,636, GC duplicated; duplicating any 2 consecutive bases within chr17:80,104,633-80,104,636 gives the same sequence; the c. name uses the placement nearest the transcript's 3' end. VCF-style (leftmost placement, unchanged base first): chr17-80104632-T-TGC. GRCh37 (hg19) VCF-style: chr17-78078431-T-TGC.
Other names: c.49_50dup, p.Leu18fs (NM_001079803.3, NM_001079804.3, NM_001406741.1 and 1 more transcripts); short protein forms L18fs.
Identifiers: ClinVar variation 4876568 (VCV004876568.1).